The following is an entry in ClinVar:

ClinVar aggregate classification (germline): Uncertain significance (1 of 4 stars; one submission).

Conditions:
Hereditary nonpolyposis colorectal neoplasms. Identifiers: MedGen C0009405, MeSH D003123.

Submission:

Labcorp Genetics (formerly Invitae), Labcorp
Classification: Uncertain significance for Hereditary nonpolyposis colorectal neoplasms. Last evaluated: 2022-03-10. Review status: criteria provided, single submitter. Criteria: Invitae Variant Classification Sherloc (09022015). Collection method: clinical testing. Allele origin: germline.
Comment: In summary, the available evidence is currently insufficient to determine the role of this variant in disease. Therefore, it has been classified as a Variant of Uncertain Significance. Advanced modeling of protein sequence and biophysical properties (such as structural, functional, and spatial information, amino acid conservation, physicochemical variation, residue mobility, and thermodynamic stability) performed at Invitae indicates that this missense variant is not expected to disrupt PMS2 protein function. This variant has not been reported in the literature in individuals affected with PMS2-related conditions. This variant is not present in population databases (gnomAD no frequency). This sequence change replaces cysteine, which is neutral and slightly polar, with serine, which is neutral and polar, at codon 252 of the PMS2 protein (p.Cys252Ser).

NM_000535.7(PMS2):c.754T>A (p.Cys252Ser)

Gene: PMS2 (PMS1 homolog 2, mismatch repair system component; minus strand). Cytogenetic location: 7p22.1.
Variant type: single nucleotide variant.
Coding change: c.754T>A on transcript NM_000535.7 (MANE Select); coding-DNA position 754, T replaced by A.
Protein change: p.Cys252Ser; replaces cysteine 252 with serine.
Molecular consequence: missense variant. On other transcripts: 5 prime UTR variant (2), non-coding transcript variant (1).
Genome position (GRCh38, 1-based): chr7:5,997,375, A>T on the plus strand (T>A on the coding strand, the complement: PMS2 is on the minus strand). VCF-style: chr7-5997375-A-T. GRCh37 (hg19) VCF-style: chr7-6037006-A-T.
Other names: c.349T>A, p.Cys117Ser (NM_001018040.1, NM_001322003.2, NM_001322004.2 and 20 more transcripts); c.754T>A, p.Cys252Ser (NM_001322006.2, NM_001322014.2, NM_001406870.1 and 3 more transcripts); c.436T>A, p.Cys146Ser (NM_001322007.2, NM_001322008.2, NM_001406876.1 and 4 more transcripts); c.-180T>A (NM_001322011.2, NM_001322012.2); c.181T>A, p.Cys61Ser (NM_001322013.2, NM_001406909.1); c.445T>A, p.Cys149Ser (NM_001322015.2, NM_001406875.1, NM_001406877.1 and 6 more transcripts); c.940T>A, p.Cys314Ser (NM_001406866.1); c.778T>A, p.Cys260Ser (NM_001406868.1); and 4 more; short protein forms C61S, C149S, C117S, C140S, C216S, C146S, C196S, C252S.
Identifiers: ClinVar variation 2108379 (VCV002108379.4), dbSNP rs1784532607, ClinGen allele CA366743706.
Genomic context (GRCh38, chr7:5,997,375, plus strand): 5'-AATCTACTTACTAAAAAAGATTATGCAGAGCATCGGAACAGCTCAAACCGTACTCTTCAC[A>T]CACGGAGTCACTAGGGGGCAGCTGAACAAAAGGAATGAGGCTTTGCAACTGAAAAAAAAA-3'
Protein context (NP_000526.2, residues 242-262): FVQLPPSDSV[Cys252Ser]EEYGLSCSDA